The following is an entry in ClinVar:

NM_001374736.1(DST):c.22979G>A (p.Arg7660His)

Gene: DST (dystonin; minus strand). Cytogenetic location: 6p12.1.
Variant type: single nucleotide variant.
Coding change: c.22979G>A on transcript NM_001374736.1 (MANE Select); coding-DNA position 22979, G replaced by A.
Protein change: p.Arg7660His; replaces arginine 7660 with histidine.
Molecular consequence: missense variant. On other transcripts: intron variant (2).
Genome position (GRCh38, 1-based): chr6:56,463,137, C>T on the plus strand (G>A on the coding strand, the complement: DST is on the minus strand). VCF-style: chr6-56463137-C-T. GRCh37 (hg19) VCF-style: chr6-56327935-C-T.
Other names: c.16550G>A, p.Arg5517His (NM_001144769.5); c.16136G>A, p.Arg5379His (NM_001144770.2); c.22907G>A, p.Arg7636His (NM_001374722.1); c.22934G>A, p.Arg7645His (NM_001374734.1); c.15998G>A, p.Arg5333His (NM_001386100.1); c.15038G>A, p.Arg5013His (NM_015548.5); c.16016G>A, p.Arg5339His (NM_183380.4); c.15741+428G>A (NM_001374730.1); and 1 more; short protein forms R5339H, R5379H, R5013H, R5517H, R5333H, R7636H, R7645H, R7660H.
Identifiers: ClinVar variation 664617 (VCV000664617.11), dbSNP rs746310021, ClinGen allele CA3866075.

ClinVar aggregate classification (germline): Uncertain significance. Review status: criteria provided, multiple submitters, no conflicts (2 of 4 stars). 2 submissions from 2 submitters: Uncertain significance (2). Last evaluated 2022-02-27.

Conditions:
Inborn genetic diseases. Identifiers: MedGen C0950123, MeSH D030342.
Epidermolysis bullosa simplex 3, localized or generalized intermediate, with BP230 deficiency (EBS3). Also called: Epidermolysis bullosa simplex due to BP230 deficiency; Epidermolysis bullosa simplex, autosomal recessive 2. Identifiers: Orphanet 412181, MedGen C3809470, MONDO:0014180, OMIM 615425.
Hereditary sensory and autonomic neuropathy type 6. Also called: HSAN VI; Neuropathy, hereditary sensory and autonomic, type VI. Identifiers: Orphanet 314381, MedGen C3539003, MONDO:0013839, OMIM 614653.

Allele frequency attached by ClinVar (database versions not stated): ExAC 0.00001; TOPMed 0.00002; gnomAD 0.00003.
gnomAD v4.1: 11 of 1,610,642 alleles (0.00068%); highest among the groups gnomAD compares: Middle Eastern, 0.016%; no homozygotes.

Submissions (2):

Labcorp Genetics (formerly Invitae), Labcorp
Classification: Uncertain significance for Epidermolysis bullosa simplex 3, localized or generalized intermediate, with BP230 deficiency; Hereditary sensory and autonomic neuropathy type 6. Last evaluated: 2022-02-27. Review status: criteria provided, single submitter. Criteria: Invitae Variant Classification Sherloc (09022015). Collection method: clinical testing. Allele origin: germline.
Comment: In summary, the available evidence is currently insufficient to determine the role of this variant in disease. Therefore, it has been classified as a Variant of Uncertain Significance. Experimental studies and prediction algorithms are not available or were not evaluated, and the functional significance of this variant is currently unknown. This variant has not been reported in the literature in individuals affected with DST-related conditions. This variant is present in population databases (rs746310021, gnomAD 0.002%). This sequence change replaces arginine, which is basic and polar, with histidine, which is basic and polar, at codon 5013 of the DST protein (p.Arg5013His). The DST gene has multiple clinically relevant transcripts. This variant occurs in alternate transcript NM_015548.4, and corresponds to NM_001723.5:c.*152380G>A in the primary transcript.

Ambry Genetics
Classification: Uncertain significance for Inborn genetic diseases. Last evaluated: 2020-10-26. Review status: criteria provided, single submitter. Criteria: Ambry Variant Classification Scheme 2023. Collection method: clinical testing. Allele origin: germline.
Comment: The p.R5517H variant (also known as c.16550G>A), located in coding exon 95 of the DST gene, results from a G to A substitution at nucleotide position 16550. The arginine at codon 5517 is replaced by histidine, an amino acid with highly similar properties. This amino acid position is highly conserved in available vertebrate species. In addition, the in silico prediction for this alteration is inconclusive. Since supporting evidence is limited at this time, the clinical significance of this alteration remains unclear.